The following is an entry in ClinVar:

NM_025074.7(FRAS1):c.934C>T (p.Gln312Ter)

Gene: FRAS1 (Fraser extracellular matrix complex subunit 1; plus strand). Cytogenetic location: 4q21.21.
Variant type: single nucleotide variant.
Coding change: c.934C>T on transcript NM_025074.7 (MANE Select); coding-DNA position 934, C replaced by T.
Protein change: p.Gln312Ter; replaces glutamine 312 with a stop codon.
Molecular consequence: nonsense.
Genome position (GRCh38, 1-based): chr4:78,267,385, C>T. VCF-style: chr4-78267385-C-T. GRCh37 (hg19) VCF-style: chr4-79188539-C-T.
Other names: c.934C>T, p.Gln312Ter (NM_001166133.2); short protein forms Q312*.
Identifiers: ClinVar variation 1343039 (VCV001343039.9), dbSNP rs377137481, ClinGen allele CA99950181.

ClinVar aggregate classification (germline): Pathogenic/Likely pathogenic. Review status: criteria provided, multiple submitters, no conflicts (2 of 4 stars). 4 submissions from 4 submitters: Pathogenic (2); Likely pathogenic (2). Last evaluated 2025-11-06.

Conditions:
Fraser syndrome 1 (FRASRS1). Also called: CRYPTOPHTHALMOS WITH OTHER MALFORMATIONS. Identifiers: Orphanet 2052, MedGen C4551480, MONDO:0054737, OMIM 219000.

Allele frequency attached by ClinVar (database versions not stated): gnomAD exomes 0.00001 and 0.00002; TOPMed 0.00001; ESP Exome Variant Server 0.00008.
gnomAD v4.1: 30 of 1,613,940 alleles (0.0019%); highest among the groups gnomAD compares: Non-Finnish European, 0.0025%; no homozygotes.

Submissions (4):

Labcorp Genetics (formerly Invitae), Labcorp
Classification: Pathogenic. Last evaluated: 2025-11-06. Review status: criteria provided, single submitter. Criteria: Invitae Variant Classification Sherloc (09022015). Collection method: clinical testing. Allele origin: germline.
Comment: This sequence change creates a premature translational stop signal (p.Gln312*) in the FRAS1 gene. It is expected to result in an absent or disrupted protein product. Loss-of-function variants in FRAS1 are known to be pathogenic (PMID: 12766769, 18671281). This variant is present in population databases (rs377137481, gnomAD 0.002%). This variant has not been reported in the literature in individuals affected with FRAS1-related conditions. ClinVar contains an entry for this variant (Variation ID: 1343039). For these reasons, this variant has been classified as Pathogenic.

GeneDx
Classification: Pathogenic. Last evaluated: 2024-09-24. Review status: criteria provided, single submitter. Criteria: GeneDx Variant Classification Process June 2021. Collection method: clinical testing. Allele origin: germline. Affected: yes.
Comment: Nonsense variant predicted to result in protein truncation or nonsense-mediated decay in a gene for which loss-of-function is a known mechanism of disease; Not observed at significant frequency in large population cohorts (gnomAD); Has not been previously published as pathogenic or benign to our knowledge

Department of Pathology and Laboratory Medicine, Sinai Health System
Classification: Likely pathogenic for Fraser syndrome 1. Last evaluated: 2021-07-30. Review status: criteria provided, single submitter. Criteria: ACMG Guidelines, 2015. Collection method: research. Allele origin: germline.

Fulgent Genetics
Classification: Likely pathogenic for Fraser syndrome 1. Last evaluated: 2021-07-14. Review status: criteria provided, single submitter. Criteria: ACMG Guidelines, 2015. Collection method: clinical testing. Allele origin: unknown.

Literature cited by the submitters: PubMed 12766769 (cited by Labcorp Genetics (formerly Invitae), Labcorp); PubMed 18671281 (cited by Labcorp Genetics (formerly Invitae), Labcorp).